The following is an entry in ClinVar:

ClinVar aggregate classification (germline): Uncertain significance (1 of 4 stars; one submission).

Conditions:
Cardiovascular phenotype. Identifiers: MedGen CN230736.

Allele frequency attached by ClinVar (database versions not stated): gnomAD exomes below 0.00001.
gnomAD v4.1: 2 of 1,614,198 alleles (0.00012%); highest among the groups gnomAD compares: Non-Finnish European, 0.00017%; no homozygotes.

Submission:

Ambry Genetics
Classification: Uncertain significance for Cardiovascular phenotype. Last evaluated: 2023-12-04. Review status: criteria provided, single submitter. Criteria: Ambry Variant Classification Scheme 2023. Collection method: clinical testing. Allele origin: germline.
Comment: The p.G210R variant (also known as c.628G>C), located in coding exon 6 of the APOB gene, results from a G to C substitution at nucleotide position 628. The glycine at codon 210 is replaced by arginine, an amino acid with dissimilar properties. This amino acid position is conserved. In addition, this alteration is predicted to be tolerated by in silico analysis. Since supporting evidence is limited at this time, the clinical significance of this alteration remains unclear.

NM_000384.3(APOB):c.628G>C (p.Gly210Arg)

Gene: APOB (apolipoprotein B; minus strand). Cytogenetic location: 2p24.1.
Variant type: single nucleotide variant.
Coding change: c.628G>C on transcript NM_000384.3 (MANE Select); coding-DNA position 628, G replaced by C.
Protein change: p.Gly210Arg; replaces glycine 210 with arginine.
Molecular consequence: missense variant.
Genome position (GRCh38, 1-based): chr2:21,037,165, C>G on the plus strand (G>C on the coding strand, the complement: APOB is on the minus strand). VCF-style: chr2-21037165-C-G. GRCh37 (hg19) VCF-style: chr2-21260037-C-G.
Other names: short protein forms G210R.
Identifiers: ClinVar variation 3231437 (VCV003231437.1), dbSNP rs2465446185, ClinGen allele CA345961792.
Genomic context (GRCh38, chr2:21,037,165, plus strand): 5'-CTTTGATGAGAGCAAGTGGGCTGATGCCTGTGCGGATGGGCTTGAAGCGATCACACTGCC[C>G]CAGGTCTCTTTCAGTGGATATTTCTGTTGCCACATTGCCCTTCCTCGTCTTGACGGTAAA-3'
Protein context (NP_000375.3, residues 200-220): ATEISTERDL[Gly210Arg]QCDRFKPIRT